The following is an entry in ClinVar:

NM_017852.5(NLRP2):c.1302C>T (p.Cys434=)

Gene: NLRP2 (NLR family pyrin domain containing 2; plus strand). Cytogenetic location: 19q13.42.
Variant type: single nucleotide variant.
Coding change: c.1302C>T on transcript NM_017852.5 (MANE Select); coding-DNA position 1302, C replaced by T.
Protein change: p.Cys434=; no amino-acid change (cysteine 434 retained).
Molecular consequence: synonymous variant. On other transcripts: non-coding transcript variant (1).
Genome position (GRCh38, 1-based): chr19:54,983,000, C>T. VCF-style: chr19-54983000-C-T. GRCh37 (hg19) VCF-style: chr19-55494368-C-T.
Other names: c.1302C>T, p.Cys434= (NM_001174081.3); c.1236C>T, p.Cys412= (NM_001174082.3); c.1233C>T, p.Cys411= (NM_001174083.2); c.1293C>T, p.Cys431= (NM_001348003.2).
Identifiers: ClinVar variation 3032916 (VCV003032916.2), dbSNP rs769464388, ClinGen allele CA310104292.

ClinVar aggregate classification (germline): Likely benign (0 of 4 stars; one submission).

Conditions:
NLRP2-related disorder. Also called: NLRP2-related condition.

Allele frequency attached by ClinVar (database versions not stated): TOPMed below 0.00001; gnomAD 0.00001; gnomAD exomes 0.00003; ExAC 0.00006.
gnomAD v4.1: 44 of 1,610,588 alleles (0.0027%); highest among the groups gnomAD compares: South Asian, 0.044%; no homozygotes.

Submission:

PreventionGenetics, part of Exact Sciences
Classification: Likely benign for NLRP2-related condition. Last evaluated: 2021-12-09. Review status: no assertion criteria provided. Collection method: clinical testing. Allele origin: germline.
Comment: This variant is classified as likely benign based on ACMG/AMP sequence variant interpretation guidelines (Richards et al. 2015 PMID: 25741868, with internal and published modifications).